The following is an entry in ClinVar:

NM_017780.4(CHD7):c.7107C>A (p.Val2369=)

Gene: CHD7 (chromodomain helicase DNA binding protein 7; plus strand). Cytogenetic location: 8q12.2.
Variant type: single nucleotide variant.
Coding change: c.7107C>A on transcript NM_017780.4 (MANE Select); coding-DNA position 7107, C replaced by A.
Protein change: p.Val2369=; no amino-acid change (valine 2369 retained).
Molecular consequence: synonymous variant. On other transcripts: intron variant (1).
Genome position (GRCh38, 1-based): chr8:60,856,145, C>A. VCF-style: chr8-60856145-C-A. GRCh37 (hg19) VCF-style: chr8-61768704-C-A.
Other names: c.7107C>A (NM_017780.2); c.1717-6084C>A (NM_001316690.1).
Identifiers: ClinVar variation 529134 (VCV000529134.14), dbSNP rs773674773, ClinGen allele CA177321169.

ClinVar aggregate classification (germline): Conflicting classifications of pathogenicity. Review status: criteria provided, conflicting classifications (1 of 4 stars). 5 submissions from 5 submitters: Uncertain significance (4); Benign (1). Last evaluated 2026-09-14.

Conditions:
Hypogonadotropic hypogonadism 5 with or without anosmia (KAL5). Also called: HYPOGONADOTROPIC HYPOGONADISM 5 WITH ANOSMIA; HYPOGONADOTROPHIC HYPOGONADISM 5 WITHOUT ANOSMIA; CHD7-Related GnRH Deficiency (Kallmann Syndrome 5). Identifiers: Orphanet 478, MedGen C3552553, MONDO:0012880, OMIM 612370. Disease mechanism: loss of function.
CHARGE syndrome (CHARGE). Also called: Hittner Hirsch Kreh syndrome; Coloboma, heart anomaly, choanal atresia, retardation, genital and ear anomalies; CHARGE association; Hall-Hittner syndrome; CHARGE ASSOCIATION--COLOBOMA, HEART ANOMALY, CHOANAL ATRESIA, RETARDATION, GENITAL AND EAR ANOMALIES. Identifiers: Orphanet 138, MedGen C0265354, MONDO:0008965.
CHD7-related disorder. Also called: CHD7-related condition.

gnomAD v4.1: 19 of 1,607,624 alleles (0.0012%); highest among the groups gnomAD compares: East Asian, 0.0045%; no homozygotes.

Submissions (5):

PreventionGenetics, part of Exact Sciences
Classification: Uncertain significance for CHD7-related condition. Last evaluated: 2026-09-14. Review status: criteria provided, single submitter. Criteria: ACMG Guidelines, 2015. Collection method: clinical testing. Allele origin: germline.
Comment: The CHD7 c.7107C>A variant is not predicted to result in an amino acid change (p.=). This variant is predicted to impact splicing based on available splicing prediction programs (SpliceAI, Jaganathan et al. 2019. PubMed ID: 30661751). This variant has been reported in a control sample from a CHD7 cohort study (Félix et al. 2006. PubMed ID: 16763960). This variant is present in 0.0058% of alleles in individuals of East Asian descent in gnomAD. At this time, the clinical significance of this variant is uncertain due to the absence of conclusive functional and genetic evidence.

Labcorp Genetics (formerly Invitae), Labcorp
Classification: Benign for CHARGE syndrome. Last evaluated: 2025-10-21. Review status: criteria provided, single submitter. Criteria: Invitae Variant Classification Sherloc (09022015). Collection method: clinical testing. Allele origin: germline.

GeneDx
Classification: Uncertain significance. Last evaluated: 2025-05-02. Review status: criteria provided, single submitter. Criteria: GeneDx Variant Classification Process June 2021. Collection method: clinical testing. Allele origin: germline. Affected: yes.
Comment: Has not been previously published as pathogenic or benign to our knowledge; In silico analysis supports a deleterious effect on splicing

Blueprint Genetics
Classification: Uncertain significance. Last evaluated: 2024-11-06. Review status: criteria provided, single submitter. Criteria: ACMG Guidelines, 2015. Collection method: clinical testing. Allele origin: germline.

Fulgent Genetics
Classification: Uncertain significance for CHD7-related CHARGE syndrome; Hypogonadotropic hypogonadism 5 with or without anosmia. Last evaluated: 2024-04-06. Review status: criteria provided, single submitter. Criteria: ACMG Guidelines, 2015. Collection method: clinical testing. Allele origin: germline.